The following is an entry in ClinVar:

ClinVar aggregate classification (germline): Uncertain significance. Review status: criteria provided, multiple submitters, no conflicts (2 of 4 stars). 3 submissions from 3 submitters: Uncertain significance (3). Last evaluated 2022-08-11.

Conditions:
Ataxia - intellectual disability - oculomotor apraxia - cerebellar cysts syndrome. Also called: Poretti-Boltshauser syndrome. Identifiers: Orphanet 370022, MedGen C4014821, MONDO:0014419, OMIM 615960.

Allele frequency attached by ClinVar (database versions not stated): gnomAD 0.00001 and 0.00002; gnomAD exomes 0.00001 and 0.00003; ExAC 0.00004; TOPMed 0.00006.
gnomAD v4.1: 28 of 1,614,100 alleles (0.0017%); highest among the groups gnomAD compares: Middle Eastern, 0.033%; no homozygotes.

Submissions (3):

Labcorp Genetics (formerly Invitae), Labcorp
Classification: Uncertain significance. Last evaluated: 2022-08-11. Review status: criteria provided, single submitter. Criteria: Invitae Variant Classification Sherloc (09022015). Collection method: clinical testing. Allele origin: germline.
Comment: In summary, the available evidence is currently insufficient to determine the role of this variant in disease. Therefore, it has been classified as a Variant of Uncertain Significance. Algorithms developed to predict the effect of missense changes on protein structure and function are either unavailable or do not agree on the potential impact of this missense change (SIFT: "Deleterious"; PolyPhen-2: "Benign"; Align-GVGD: "Class C0"). ClinVar contains an entry for this variant (Variation ID: 1030934). This variant has not been reported in the literature in individuals affected with LAMA1-related conditions. This variant is present in population databases (rs773614520, gnomAD 0.006%). This sequence change replaces arginine, which is basic and polar, with glycine, which is neutral and non-polar, at codon 1862 of the LAMA1 protein (p.Arg1862Gly).

Baylor Genetics
Classification: Uncertain significance for Ataxia - intellectual disability - oculomotor apraxia - cerebellar cysts syndrome. Last evaluated: 2019-12-20. Review status: criteria provided, single submitter. Criteria: ACMG Guidelines, 2015. Collection method: clinical testing. Allele origin: unknown. Affected: yes.
Comment: This variant was determined to be of uncertain significance according to ACMG Guidelines, 2015 [PMID:25741868].

Breakthrough Genomics
Classification: Uncertain significance. Review status: criteria provided, single submitter. Criteria: ACMG Guidelines, 2015. Collection method: not provided. Allele origin: germline. Inheritance: Autosomal recessive inheritance. Affected: yes.

NM_005559.4(LAMA1):c.5584A>G (p.Arg1862Gly)

Gene: LAMA1 (laminin subunit alpha 1; minus strand). Cytogenetic location: 18p11.31.
Variant type: single nucleotide variant.
Coding change: c.5584A>G on transcript NM_005559.4 (MANE Select); coding-DNA position 5584, A replaced by G.
Protein change: p.Arg1862Gly; replaces arginine 1862 with glycine.
Molecular consequence: missense variant.
Genome position (GRCh38, 1-based): chr18:6,985,313, T>C on the plus strand (A>G on the coding strand, the complement: LAMA1 is on the minus strand). VCF-style: chr18-6985313-T-C. GRCh37 (hg19) VCF-style: chr18-6985312-T-C.
Other names: short protein forms R1862G.
Identifiers: ClinVar variation 1030934 (VCV001030934.6), dbSNP rs773614520, ClinGen allele CA8881554.